The following is an entry in ClinVar:

NM_001367624.2(ZNF469):c.10880del (p.Pro3627fs)

Gene: ZNF469 (zinc finger protein 469; plus strand). Cytogenetic location: 16q24.2.
Variant type: Deletion.
Coding change: c.10880del on transcript NM_001367624.2 (MANE Select); coding-DNA position 10880, one base deleted (C; older notation c.10880delC).
Protein change: p.Pro3627fs; shifts the reading frame from proline 3627.
Molecular consequence: frameshift variant.
Genome position (GRCh38, 1-based): chr16:88,438,350, C deleted; the last of 4 consecutive C bases (chr16:88,438,347-88,438,350); deleting any one gives the same sequence. VCF-style (leftmost placement, unchanged base first): chr16-88438346-GC-G. GRCh37 (hg19) VCF-style: chr16-88504754-GC-G.
Other names: short protein forms P3627fs.
Identifiers: ClinVar variation 2003584 (VCV002003584.4), dbSNP rs2507607759, ClinGen allele CA2580092225.

ClinVar aggregate classification (germline): Uncertain significance (1 of 4 stars; one submission).

Submission:

Labcorp Genetics (formerly Invitae), Labcorp
Classification: Uncertain significance. Last evaluated: 2022-06-08. Review status: criteria provided, single submitter. Criteria: Invitae Variant Classification Sherloc (09022015). Collection method: clinical testing. Allele origin: germline.
Comment: In summary, the available evidence is currently insufficient to determine the role of this variant in disease. Therefore, it has been classified as a Variant of Uncertain Significance. Experimental studies and prediction algorithms are not available or were not evaluated, and the functional significance of this variant is currently unknown. This variant has not been reported in the literature in individuals affected with ZNF469-related conditions. This variant is not present in population databases (gnomAD no frequency). This sequence change creates a premature translational stop signal (p.Pro3599Argfs*93) in the ZNF469 gene. While this is not anticipated to result in nonsense mediated decay, it is expected to disrupt the last 327 amino acid(s) of the ZNF469 protein.